The following is an entry in ClinVar:

ClinVar aggregate classification (germline): Uncertain significance (1 of 4 stars; one submission).

Conditions:
Inborn genetic diseases. Identifiers: MedGen C0950123, MeSH D030342.

Submission:

Ambry Genetics
Classification: Uncertain significance for Inborn genetic diseases. Last evaluated: 2026-01-26. Review status: criteria provided, single submitter. Criteria: Ambry Variant Classification Scheme 2023. Collection method: clinical testing. Allele origin: germline.
Comment: The c.647C>T (p.P216L) alteration is located in exon 4 (coding exon 3) of the NR5A1 gene. This alteration results from a C to T substitution at nucleotide position 647, causing the proline (P) at amino acid position 216 to be replaced by a leucine (L). Based on data from gnomAD, the T allele has an overall frequency of <0.001% (0/162426) total alleles studied. The highest observed frequency was <0.001% (/) of alleles. Based on insufficient or conflicting evidence, the clinical significance of this alteration remains unclear.

NM_004959.5(NR5A1):c.647C>T (p.Pro216Leu)

Gene: NR5A1 (nuclear receptor subfamily 5 group A member 1; minus strand). Cytogenetic location: 9q33.3.
Variant type: single nucleotide variant.
Coding change: c.647C>T on transcript NM_004959.5 (MANE Select); coding-DNA position 647, C replaced by T.
Protein change: p.Pro216Leu; replaces proline 216 with leucine.
Molecular consequence: missense variant.
Genome position (GRCh38, 1-based): chr9:124,500,313, G>A on the plus strand (C>T on the coding strand, the complement: NR5A1 is on the minus strand). VCF-style: chr9-124500313-G-A. GRCh37 (hg19) VCF-style: chr9-127262592-G-A.
Other names: short protein forms P216L.
Identifiers: ClinVar variation 4839713 (VCV004839713.1).